The following is an entry in ClinVar:

NM_001273.5(CHD4):c.1630T>C (p.Phe544Leu)

Gene: CHD4 (chromodomain helicase DNA binding protein 4; minus strand). Cytogenetic location: 12p13.31.
Variant type: single nucleotide variant.
Coding change: c.1630T>C on transcript NM_001273.5 (MANE Select); coding-DNA position 1630, T replaced by C.
Protein change: p.Phe544Leu; replaces phenylalanine 544 with leucine.
Molecular consequence: missense variant.
Genome position (GRCh38, 1-based): chr12:6,598,278, A>G on the plus strand (T>C on the coding strand, the complement: CHD4 is on the minus strand). VCF-style: chr12-6598278-A-G. GRCh37 (hg19) VCF-style: chr12-6707444-A-G.
Other names: c.1609T>C, p.Phe537Leu (NM_001297553.2); c.1591T>C, p.Phe531Leu (NM_001363606.2); short protein forms F544L, F537L, F531L.
Identifiers: ClinVar variation 4981529 (VCV004981529.1).

ClinVar aggregate classification (germline): Uncertain significance (1 of 4 stars; one submission).

Conditions:
CHD4-related disorder. Also called: CHD4-related condition.

gnomAD v4.1: 17 of 1,613,900 alleles (0.0011%); highest among the groups gnomAD compares: Non-Finnish European, 0.0014%; no homozygotes.

Submission:

PreventionGenetics, part of Exact Sciences
Classification: Uncertain significance for CHD4-related condition. Last evaluated: 2024-12-05. Review status: criteria provided, single submitter. Criteria: ACMG Guidelines, 2015. Collection method: clinical testing. Allele origin: germline.
Comment: The CHD4 c.1630T>C variant is predicted to result in the amino acid substitution p.Phe544Leu. To our knowledge, this variant has not been reported in the literature. This variant is reported in 0.0023% of alleles in individuals of European (Non-Finnish) descent in gnomAD. At this time, the clinical significance of this variant is uncertain due to the absence of conclusive functional and genetic evidence.